The following is an entry in ClinVar:

NM_001928.4(CFD):c.704C>A (p.Pro235His)

Gene: CFD (complement factor D; plus strand). Cytogenetic location: 19p13.3.
Variant type: single nucleotide variant.
Coding change: c.704C>A on transcript NM_001928.4 (MANE Select); coding-DNA position 704, C replaced by A.
Protein change: p.Pro235His; replaces proline 235 with histidine.
Molecular consequence: missense variant.
Genome position (GRCh38, 1-based): chr19:863,180, C>A. VCF-style: chr19-863180-C-A. GRCh37 (hg19) VCF-style: chr19-863180-C-A.
Other names: c.725C>A, p.Pro242His (NM_001317335.2); short protein forms P235H, P242H.
Identifiers: ClinVar variation 2012693 (VCV002012693.4), dbSNP rs2512180698, ClinGen allele CA402923856.

ClinVar aggregate classification (germline): Uncertain significance (1 of 4 stars; one submission).

Allele frequency attached by ClinVar (database versions not stated): gnomAD exomes below 0.00001.
gnomAD v4.1: 2 of 1,538,122 alleles (0.00013%); highest among the groups gnomAD compares: Non-Finnish European, 0.00017%; no homozygotes.

Submission:

Labcorp Genetics (formerly Invitae), Labcorp
Classification: Uncertain significance. Last evaluated: 2022-07-01. Review status: criteria provided, single submitter. Criteria: Invitae Variant Classification Sherloc (09022015). Collection method: clinical testing. Allele origin: germline.
Comment: This sequence change replaces proline, which is neutral and non-polar, with histidine, which is basic and polar, at codon 235 of the CFD protein (p.Pro235His). In summary, the available evidence is currently insufficient to determine the role of this variant in disease. Therefore, it has been classified as a Variant of Uncertain Significance. Algorithms developed to predict the effect of missense changes on protein structure and function are either unavailable or do not agree on the potential impact of this missense change (SIFT: "Not Available"; PolyPhen-2: "Probably Damaging"; Align-GVGD: "Not Available"). This variant has not been reported in the literature in individuals affected with CFD-related conditions. This variant is not present in population databases (gnomAD no frequency).